The following is an entry in ClinVar:

NM_000344.4(SMN1):c.347T>C (p.Ile116Thr)

Gene: SMN1 (survival of motor neuron 1, telomeric). Cytogenetic location: 5q13.2.
Variant type: single nucleotide variant.
Coding change: c.347T>C on transcript NM_000344.4 (MANE Select); coding-DNA position 347, T replaced by C.
Protein change: p.Ile116Thr; replaces isoleucine 116 with threonine.
Molecular consequence: missense variant.
Genome position (GRCh38, 1-based): chr5:70,942,431, T>C. VCF-style: chr5-70942431-T-C. GRCh37 (hg19) VCF-style: chr5-70238258-T-C.
Other names: c.347T>C, p.Ile116Thr (NM_001297715.1, NM_022874.2); short protein forms I116T.
Identifiers: ClinVar variation 3239631 (VCV003239631.4), dbSNP rs2532112594.
Genomic context (GRCh38, chr5:70,942,431, plus strand): 5'-ACAAATGTTCTGCCATTTGGTCAGAAGACGGTTGCATTTACCCAGCTACCATTGCTTCAA[T>C]TGATTTTAAGAGAGAAACCTGTGTTGTGGTTTACACTGGATATGGAAATAGAGAGGAGCA-3'
Protein context (NP_000335.1, residues 106-126): GCIYPATIAS[Ile116Thr]DFKRETCVVV

ClinVar aggregate classification (germline): Likely pathogenic. Review status: criteria provided, multiple submitters, no conflicts (2 of 4 stars). 3 submissions from 3 submitters: Likely pathogenic (3). Last evaluated 2026-04-23.

Conditions:
Spinal muscular atrophy (SMA). Identifiers: MedGen C0026847, MeSH D009134, MONDO:0001516, HP:0007269.
Werdnig-Hoffmann disease (SMA1). Also called: MUSCULAR ATROPHY, INFANTILE; SMA I; SMA, INFANTILE ACUTE FORM; HMN (Hereditary Motor Neuropathy) Proximal Type I. Identifiers: Orphanet 83330, MedGen C5848259, MONDO:0009669, OMIM 253300. Disease mechanism: loss of function.
Kugelberg-Welander disease (SMA3). Also called: SPINAL MUSCULAR ATROPHY, TYPE III; KUGELBERG-WELANDER SYNDROME; MUSCULAR ATROPHY, JUVENILE; SMA III; SPINAL MUSCULAR ATROPHY, MILD CHILDHOOD AND ADOLESCENT FORM; Juvenile Spinal Muscular Atrophy. Identifiers: Orphanet 70, Orphanet 83419, MedGen C0152109, MONDO:0009672, OMIM 253400.

Submissions (3):

Clinical Omics and Informatics (COIN) Unit, Neuroscience Institute, University Of Cape Town
Classification: Likely pathogenic for Spinal muscular atrophy. Last evaluated: 2026-04-23. Review status: criteria provided, single submitter. Criteria: ACMG Guidelines, 2015. Collection method: research. Allele origin: germline. Inheritance: Autosomal recessive inheritance. Affected: yes. Observed: 1 variant allele, 1 compound heterozygote.
Comment: PM2_Supporting: this variant is absent from gnomAD v4.0 (adequate coverage >20X confirmed) and the CoLoRSdb HiFi long-read sequencing dataset. PP3 Not Met: Revel score is 0.565. PM1_Supporting: variant clusters in the tudor domain with other reported pathogenic and likely pathogenic missense variants (ClinVar VCV000870142.1, VCV000009177.4). PM3_Strong: the variant was identified in a single SMN1 gene copy in the proband under assessment and 2 other cases reported in the literature (PMID:39720178;38972959)- 3 points awarded. PM5_Met: p.Ile116Phe classified as pathogenic (PMID: 19050931;15249625 and ClinVar VCV000009179.4).

Center for Human Genetics and Genomic Medicine, Uniklinik Rwth Aachen
Classification: Likely pathogenic for Werdnig-Hoffmann disease. Last evaluated: 2024-08-13. Review status: criteria provided, single submitter. Criteria: ACMG Guidelines, 2015. Collection method: clinical testing. Allele origin: germline. Inheritance: Autosomal recessive inheritance. Affected: yes. Observed: 1 compound heterozygote.
Comment: The variant was detected in compound heterozygosity with the common deletion of the SMN1 gene. Long read sequencing assigned it to SMN1. We have classified the variant as likely pathogenic (PM2, PM3, PM5, PP2, PP4, PP5).

DNA-diagnostics Laboratory, Research Centre For Medical Genetics
Classification: Likely pathogenic for Kugelberg-Welander disease. Last evaluated: 2024-06-04. Review status: criteria provided, single submitter. Criteria: ACMG Guidelines, 2015. Collection method: clinical testing. Allele origin: germline. Inheritance: Autosomal recessive inheritance. Affected: yes.
Comment: p.Ile116Thr in the SMN1 gene meets the ACMG criteria:: PM2, PM5, PM1, PP2, PM3, PP4

Literature cited by the submitters: PubMed 39720178 (cited by Clinical Omics and Informatics (COIN) Unit, Neuroscience Institute, University Of Cape Town); PubMed 38972959 (cited by Clinical Omics and Informatics (COIN) Unit, Neuroscience Institute, University Of Cape Town); PubMed 19050931 (cited by Clinical Omics and Informatics (COIN) Unit, Neuroscience Institute, University Of Cape Town); PubMed 15249625 (cited by Clinical Omics and Informatics (COIN) Unit, Neuroscience Institute, University Of Cape Town).